The following is an entry in ClinVar:

NM_152743.4(BRAT1):c.1073A>G (p.Lys358Arg)

Gene: BRAT1 (BRCA1 associated ATM activator 1; minus strand). Cytogenetic location: 7p22.3.
Variant type: single nucleotide variant.
Coding change: c.1073A>G on transcript NM_152743.4 (MANE Select); coding-DNA position 1073, A replaced by G.
Protein change: p.Lys358Arg; replaces lysine 358 with arginine.
Molecular consequence: missense variant. On other transcripts: non-coding transcript variant (1).
Genome position (GRCh38, 1-based): chr7:2,541,779, T>C on the plus strand (A>G on the coding strand, the complement: BRAT1 is on the minus strand). VCF-style: chr7-2541779-T-C. GRCh37 (hg19) VCF-style: chr7-2581413-T-C.
Other names: c.1073A>G, p.Lys358Arg (NM_001350626.2); c.548A>G, p.Lys183Arg (NM_001350627.2); short protein forms K358R, K183R.
Identifiers: ClinVar variation 1501347 (VCV001501347.8), dbSNP rs750931299, ClinGen allele CA4127946.

ClinVar aggregate classification (germline): Uncertain significance (1 of 4 stars; one submission).

Conditions:
Neonatal-onset encephalopathy with rigidity and seizures. Also called: Lethal neonatal spasticity-epileptic encephalopathy syndrome. Identifiers: Orphanet 435845, MedGen C3281029, MONDO:0013784, OMIM 614498.

Allele frequency attached by ClinVar (database versions not stated): gnomAD exomes below 0.00001 and 0.00001; TOPMed below 0.00001; ExAC 0.00001.

Submission:

Labcorp Genetics (formerly Invitae), Labcorp
Classification: Uncertain significance for Neonatal-onset encephalopathy with rigidity and seizures. Last evaluated: 2021-02-02. Review status: criteria provided, single submitter. Criteria: Invitae Variant Classification Sherloc (09022015). Collection method: clinical testing. Allele origin: germline.
Comment: In summary, the available evidence is currently insufficient to determine the role of this variant in disease. Therefore, it has been classified as a Variant of Uncertain Significance. Algorithms developed to predict the effect of sequence changes on RNA splicing suggest that this variant may create or strengthen a splice site, but this prediction has not been confirmed by published transcriptional studies. Algorithms developed to predict the effect of missense changes on protein structure and function output the following: SIFT: "Deleterious"; PolyPhen-2: "Benign"; Align-GVGD: "Class C25". The arginine amino acid residue is found in multiple mammalian species, suggesting that this missense change does not adversely affect protein function. These predictions have not been confirmed by published functional studies and their clinical significance is uncertain. This variant has not been reported in the literature in individuals with BRAT1-related conditions. This variant is present in population databases (rs750931299, ExAC 0.01%). This sequence change replaces lysine with arginine at codon 358 of the BRAT1 protein (p.Lys358Arg). The lysine residue is highly conserved and there is a small physicochemical difference between lysine and arginine.